The following is an entry in ClinVar:

NM_001110556.2(FLNA):c.7438C>T (p.Pro2480Ser)

Gene: FLNA (filamin A; minus strand). Cytogenetic location: Xq28.
Variant type: single nucleotide variant.
Coding change: c.7438C>T on transcript NM_001110556.2 (MANE Select); coding-DNA position 7438, C replaced by T.
Protein change: p.Pro2480Ser; replaces proline 2480 with serine.
Molecular consequence: missense variant.
Genome position (GRCh38, 1-based): chrX:154,349,763, G>A on the plus strand (C>T on the coding strand, the complement: FLNA is on the minus strand). VCF-style: chrX-154349763-G-A. GRCh37 (hg19) VCF-style: chrX-153578131-G-A.
Other names: c.7414C>T, p.Pro2472Ser (NM_001456.4); short protein forms P2472S, P2480S.
Identifiers: ClinVar variation 1704992 (VCV001704992.2), dbSNP rs1557175373, ClinGen allele CA415182337.

ClinVar aggregate classification (germline): Uncertain significance (1 of 4 stars; one submission).

Allele frequency attached by ClinVar (database versions not stated): gnomAD exomes below 0.00001.
gnomAD v4.1: 1 of 1,211,311 alleles (0.000083%); highest among the groups gnomAD compares: Non-Finnish European, 0.00011%; no homozygotes.

Submission:

GeneDx
Classification: Uncertain significance. Last evaluated: 2022-09-12. Review status: criteria provided, single submitter. Criteria: GeneDx Variant Classification Process June 2021. Collection method: clinical testing. Allele origin: germline. Affected: yes.
Comment: Not observed at significant frequency in large population cohorts (gnomAD); In silico analysis supports that this missense variant has a deleterious effect on protein structure/function; Has not been previously published as pathogenic or benign to our knowledge